The following is an entry in ClinVar:

ClinVar aggregate classification (germline): Benign/Likely benign. Review status: criteria provided, multiple submitters, no conflicts (2 of 4 stars). 11 submissions from 11 submitters: Benign (8); Likely benign (1). 2 of the submissions do not count toward it. Last evaluated 2026-02-04.

Conditions:
Primary ciliary dyskinesia 14. Also called: CILIARY DYSKINESIA, PRIMARY, 14, WITH OR WITHOUT SITUS INVERSUS. Identifiers: Orphanet 244, MedGen C3151136, MONDO:0013434, OMIM 613807.
Primary ciliary dyskinesia. Also called: Ciliary dyskinesia. Identifiers: Orphanet 244, MedGen C0008780, MONDO:0016575, HP:0012265.

Allele frequency attached by ClinVar (database versions not stated): ESP Exome Variant Server 0.18180; gnomAD 0.18517 and 0.19015; 1000 Genomes Project 0.13139; 1000 Genomes Project 30x 0.13351; TOPMed 0.17899; gnomAD exomes 0.17563 and 0.19488; ExAC 0.17643.

Submissions (11):

Labcorp Genetics (formerly Invitae), Labcorp
Classification: Benign for Primary ciliary dyskinesia. Last evaluated: 2026-02-04. Review status: criteria provided, single submitter. Criteria: Invitae Variant Classification Sherloc (09022015). Collection method: clinical testing. Allele origin: germline.

Blueprint Genetics
Classification: Likely benign. Last evaluated: 2024-11-26. Review status: criteria provided, single submitter. Criteria: ACMG Guidelines, 2015. Collection method: clinical testing. Allele origin: germline.

Mayo Clinic Laboratories, Mayo Clinic
Classification: Benign. Last evaluated: 2024-04-16. Review status: criteria provided, single submitter. Criteria: ACMG Guidelines, 2015. Collection method: clinical testing. Allele origin: germline. Observed: 76 variant alleles.
Comment: BA1, BP4, BP7

GeneDx
Classification: Benign. Last evaluated: 2018-11-10. Review status: criteria provided, single submitter. Criteria: GeneDx Variant Classification Process June 2021. Collection method: clinical testing. Allele origin: germline. Affected: yes.

Illumina Laboratory Services, Illumina
Classification: Benign for Primary ciliary dyskinesia 14. Last evaluated: 2018-01-12. Review status: criteria provided, single submitter. Criteria: ICSL Variant Classification Criteria 13 December 2019. Collection method: clinical testing. Allele origin: germline.
Comment: This variant was observed in the ICSL laboratory as part of a predisposition screen in an ostensibly healthy population. It had not been previously curated by ICSL or reported in the Human Gene Mutation Database (HGMD: prior to June 1st, 2018), and was therefore a candidate for classification through an automated scoring system. Utilizing variant allele frequency, disease prevalence and penetrance estimates, and inheritance mode, an automated score was calculated to assess if this variant is too frequent to cause the disease. Based on the score and internal cut-off values, a variant classified as benign is not then subjected to further curation. The score for this variant resulted in a classification of benign for this disease.

Ambry Genetics
Classification: Benign for Primary ciliary dyskinesia. Last evaluated: 2016-07-07. Review status: criteria provided, single submitter. Criteria: Ambry Variant Classification Scheme 2023. Collection method: clinical testing. Allele origin: germline.

Laboratory for Molecular Medicine, Mass General Brigham Personalized Medicine
Classification: Benign. Last evaluated: 2013-02-21. Review status: criteria provided, single submitter. Criteria: LMM Criteria. Collection method: clinical testing. Allele origin: germline. Observed: 34 variant alleles.
Comment: Val799Val in exon 17 of CCDC39: This variant is not expected to have clinical si gnificance because it does not alter an amino acid residue and is not located wi thin the splice consensus sequence. It has been identified in 19.5% (1589/8130) of European American chromosomes from a broad population by the NHLBI Exome Sequ encing Project (dbSNP rs7612917).

Breakthrough Genomics
Classification: Benign. Review status: criteria provided, single submitter. Criteria: ACMG Guidelines, 2015. Collection method: not provided. Allele origin: germline. Inheritance: Autosomal recessive inheritance. Affected: yes.

PreventionGenetics, part of Exact Sciences
Classification: Benign. Review status: criteria provided, single submitter. Criteria: ACMG Guidelines, 2015. Collection method: clinical testing. Allele origin: germline.

Clinical Genetics DNA and cytogenetics Diagnostics Lab, Erasmus MC, Erasmus Medical Center
Classification: Benign. Review status: no assertion criteria provided. Collection method: clinical testing. Allele origin: germline. Affected: yes. Study: VKGL Data-share Consensus. Not counted in ClinVar's aggregate classification.

Diagnostic Laboratory, Department of Genetics, University Medical Center Groningen
Classification: Benign for Primary ciliary dyskinesia 14. Review status: no assertion criteria provided. Collection method: clinical testing. Allele origin: germline. Affected: yes. Study: VKGL Data-share Consensus. Not counted in ClinVar's aggregate classification.

NM_181426.2(CCDC39):c.2397G>A (p.Val799=)

Genes: CCDC39 (coiled-coil domain 39 molecular ruler complex subunit; minus strand), TTC14 (tetratricopeptide repeat domain 14; plus strand). Cytogenetic location: 3q26.33.
Variant type: single nucleotide variant.
Coding change: c.2397G>A on transcript NM_181426.2 (MANE Select); coding-DNA position 2397, G replaced by A.
Protein change: p.Val799=; no amino-acid change (valine 799 retained).
Molecular consequence: synonymous variant. On other transcripts: intron variant (1).
Genome position (GRCh38, 1-based): chr3:180,616,835, C>T on the plus strand (G>A on the coding strand, the complement: CCDC39 is on the minus strand). VCF-style: chr3-180616835-C-T. GRCh37 (hg19) VCF-style: chr3-180334623-C-T.
Other names: p.Val799=; c.1775-545C>T (NM_001288582.2).
Identifiers: ClinVar variation 162839 (VCV000162839.27), dbSNP rs7612917, ClinGen allele CA175413.